The following is an entry in ClinVar:

ClinVar aggregate classification (germline): Uncertain significance (1 of 4 stars; one submission).

gnomAD v4.1: 44 of 1,613,342 alleles (0.0027%); highest among the groups gnomAD compares: Non-Finnish European, 0.0036%; no homozygotes.

Submission:

CeGaT Center for Human Genetics Tuebingen
Classification: Uncertain significance. Last evaluated: 2025-04-01. Review status: criteria provided, single submitter. Criteria: CeGaT Center For Human Genetics Tuebingen Variant Classification Criteria Version 2. Collection method: clinical testing. Allele origin: germline. Affected: yes. Observed: 1 variant allele.
Comment: PXDN: PM2

NM_012293.3(PXDN):c.1865C>T (p.Pro622Leu)

Gene: PXDN (peroxidasin; minus strand). Cytogenetic location: 2p25.3.
Variant type: single nucleotide variant.
Coding change: c.1865C>T on transcript NM_012293.3 (MANE Select); coding-DNA position 1865, C replaced by T.
Protein change: p.Pro622Leu; replaces proline 622 with leucine.
Molecular consequence: missense variant.
Genome position (GRCh38, 1-based): chr2:1,654,481, G>A on the plus strand (C>T on the coding strand, the complement: PXDN is on the minus strand). VCF-style: chr2-1654481-G-A. GRCh37 (hg19) VCF-style: chr2-1658253-G-A.
Other names: short protein forms P622L.
Identifiers: ClinVar variation 3898335 (VCV003898335.7).